The following is an entry in ClinVar:

ClinVar aggregate classification (germline): Uncertain significance (1 of 4 stars; one submission).

Conditions:
Retinoblastoma (RB1). Also called: RETINOBLASTOMA, SOMATIC. Identifiers: Orphanet 790, MedGen C0035335, MeSH D012175, MONDO:0008380, OMIM 180200, HP:0009919. Disease mechanism: loss of function. Inheritance: Both sporadic and heritable forms are tested..

Submission:

Labcorp Genetics (formerly Invitae), Labcorp
Classification: Uncertain significance for Retinoblastoma. Last evaluated: 2024-07-21. Review status: criteria provided, single submitter. Criteria: Invitae Variant Classification Sherloc (09022015). Collection method: clinical testing. Allele origin: germline.
Comment: This sequence change replaces serine, which is neutral and polar, with leucine, which is neutral and non-polar, at codon 829 of the RB1 protein (p.Ser829Leu). This variant is not present in population databases (gnomAD no frequency). This variant has not been reported in the literature in individuals affected with RB1-related conditions. ClinVar contains an entry for this variant (Variation ID: 1722102). Advanced modeling of protein sequence and biophysical properties (such as structural, functional, and spatial information, amino acid conservation, physicochemical variation, residue mobility, and thermodynamic stability) has been performed at Invitae for this missense variant, however the output from this modeling did not meet the statistical confidence thresholds required to predict the impact of this variant on RB1 protein function. In summary, the available evidence is currently insufficient to determine the role of this variant in disease. Therefore, it has been classified as a Variant of Uncertain Significance.

NM_000321.3(RB1):c.2486C>T (p.Ser829Leu)

Gene: RB1 (RB transcriptional corepressor 1; plus strand). Cytogenetic location: 13q14.2.
Variant type: single nucleotide variant.
Coding change: c.2486C>T on transcript NM_000321.3 (MANE Select); coding-DNA position 2486, C replaced by T.
Protein change: p.Ser829Leu; replaces serine 829 with leucine.
Molecular consequence: missense variant.
Genome position (GRCh38, 1-based): chr13:48,465,365, C>T. VCF-style: chr13-48465365-C-T. GRCh37 (hg19) VCF-style: chr13-49039501-C-T.
Other names: c.2486C>T, p.Ser829Leu (NM_001407165.1); short protein forms S829L.
Identifiers: ClinVar variation 1722102 (VCV001722102.5), dbSNP rs2138346270, ClinGen allele CA388168087.